The following is an entry in ClinVar:

NM_001160372.4(TRAPPC9):c.609C>G (p.Gly203=)

Gene: TRAPPC9 (trafficking protein particle complex subunit 9; minus strand). Cytogenetic location: 8q24.3.
Variant type: single nucleotide variant.
Coding change: c.609C>G on transcript NM_001160372.4 (MANE Select); coding-DNA position 609, C replaced by G.
Protein change: p.Gly203=; no amino-acid change (glycine 203 retained).
Molecular consequence: synonymous variant. On other transcripts: non-coding transcript variant (1).
Genome position (GRCh38, 1-based): chr8:140,439,173, G>C on the plus strand (C>G on the coding strand, the complement: TRAPPC9 is on the minus strand). VCF-style: chr8-140439173-G-C. GRCh37 (hg19) VCF-style: chr8-141449272-G-C.
Other names: c.609C>G, p.Gly203= (NM_001321646.2, NM_001374683.1, NM_001374684.1 and 1 more transcripts); c.630C>G, p.Gly210= (NM_001374682.1).
Identifiers: ClinVar variation 1623569 (VCV001623569.26), dbSNP rs550253266, ClinGen allele CA4893678.

ClinVar aggregate classification (germline): Likely benign. Review status: criteria provided, multiple submitters, no conflicts (2 of 4 stars). 2 submissions from 2 submitters: Likely benign (2). Last evaluated 2025-06-22.

Allele frequency attached by ClinVar (database versions not stated): gnomAD 0.00005.
gnomAD v4.1: 48 of 1,613,996 alleles (0.003%); highest among the groups gnomAD compares: Non-Finnish European, 0.0038%; no homozygotes.

Submissions (2):

Labcorp Genetics (formerly Invitae), Labcorp
Classification: Likely benign. Last evaluated: 2025-06-22. Review status: criteria provided, single submitter. Criteria: Invitae Variant Classification Sherloc (09022015). Collection method: clinical testing. Allele origin: germline.

CeGaT Center for Human Genetics Tuebingen
Classification: Likely benign. Last evaluated: 2024-06-01. Review status: criteria provided, single submitter. Criteria: CeGaT Center For Human Genetics Tuebingen Variant Classification Criteria Version 2. Collection method: clinical testing. Allele origin: germline. Affected: yes. Observed: 1 variant allele.
Comment: TRAPPC9: BP4, BP7